The following is an entry in ClinVar:

ClinVar aggregate classification (germline): Uncertain significance. Review status: criteria provided, multiple submitters, no conflicts (2 of 4 stars). 2 submissions from 2 submitters: Uncertain significance (2). Last evaluated 2024-01-02.

Allele frequency attached by ClinVar (database versions not stated): 1000 Genomes Project 30x 0.00016; 1000 Genomes Project 0.00020.

Submissions (2):

GeneDx
Classification: Uncertain significance. Last evaluated: 2024-01-02. Review status: criteria provided, single submitter. Criteria: GeneDx Variant Classification Process June 2021. Collection method: clinical testing. Allele origin: germline. Affected: yes.
Comment: Not observed at significant frequency in large population cohorts (gnomAD); In silico analysis supports that this missense variant does not alter protein structure/function; Has not been previously published as pathogenic or benign to our knowledge

Labcorp Genetics (formerly Invitae), Labcorp
Classification: Uncertain significance. Last evaluated: 2022-04-11. Review status: criteria provided, single submitter. Criteria: Invitae Variant Classification Sherloc (09022015). Collection method: clinical testing. Allele origin: germline.
Comment: This sequence change replaces alanine, which is neutral and non-polar, with glycine, which is neutral and non-polar, at codon 1173 of the SZT2 protein (p.Ala1173Gly). This variant is present in population databases (rs553638915, gnomAD 0.008%). This variant has not been reported in the literature in individuals affected with SZT2-related conditions. Algorithms developed to predict the effect of missense changes on protein structure and function output the following: SIFT: "Tolerated"; PolyPhen-2: "Benign"; Align-GVGD: "Class C0". The glycine amino acid residue is found in multiple mammalian species, which suggests that this missense change does not adversely affect protein function. In summary, the available evidence is currently insufficient to determine the role of this variant in disease. Therefore, it has been classified as a Variant of Uncertain Significance.

NM_001365999.1(SZT2):c.3689C>G (p.Ala1230Gly)

Gene: SZT2 (SZT2 subunit of KICSTOR complex; plus strand). Cytogenetic location: 1p34.2.
Variant type: single nucleotide variant.
Coding change: c.3689C>G on transcript NM_001365999.1 (MANE Select); coding-DNA position 3689, C replaced by G.
Protein change: p.Ala1230Gly; replaces alanine 1230 with glycine.
Molecular consequence: missense variant.
Genome position (GRCh38, 1-based): chr1:43,427,620, C>G. VCF-style: chr1-43427620-C-G. GRCh37 (hg19) VCF-style: chr1-43893291-C-G.
Other names: c.3518C>G, p.Ala1173Gly (NM_015284.4); c.3518C>G (NM_015284.3); short protein forms A1173G, A1230G.
Identifiers: ClinVar variation 2052762 (VCV002052762.2), dbSNP rs553638915, ClinGen allele CA809063.